The following is an entry in ClinVar:

NM_001267550.2(TTN):c.34855G>A (p.Val11619Met)

Gene: TTN (titin; minus strand). Cytogenetic location: 2q31.2.
Variant type: single nucleotide variant.
Coding change: c.34855G>A on transcript NM_001267550.2 (MANE Select); coding-DNA position 34855, G replaced by A.
Protein change: p.Val11619Met; replaces valine 11619 with methionine.
Molecular consequence: missense variant. On other transcripts: intron variant (3).
Genome position (GRCh38, 1-based): chr2:178,672,635, C>T on the plus strand (G>A on the coding strand, the complement: TTN is on the minus strand). VCF-style: chr2-178672635-C-T. GRCh37 (hg19) VCF-style: chr2-179537362-C-T.
Other names: c.33733G>A, p.Val11245Met (NM_001256850.1); c.30952G>A, p.Val10318Met (NM_133378.4); c.13283-30318G>A (NM_003319.4); c.13859-30318G>A (NM_133437.4); c.13658-30318G>A (NM_133432.3); short protein forms V11619M, V11245M, V10318M.
Identifiers: ClinVar variation 569119 (VCV000569119.11), dbSNP rs1560262245, ClinGen allele CA349520093.

ClinVar aggregate classification (germline): Uncertain significance (1 of 4 stars; one submission).

Conditions:
Dilated cardiomyopathy 1G (CMD1G). Identifiers: Orphanet 154, MedGen C1858763, MONDO:0011400, OMIM 604145.
Autosomal recessive limb-girdle muscular dystrophy type 2J (LGMDR10). Also called: Limb-girdle muscular dystrophy, type 2J; MUSCULAR DYSTROPHY, LIMB-GIRDLE, AUTOSOMAL RECESSIVE 10. Identifiers: Orphanet 140922, MedGen C1837342, MONDO:0012127, OMIM 608807.

Allele frequency attached by ClinVar (database versions not stated): gnomAD exomes below 0.00001.
gnomAD v4.1: 1 of 1,611,536 alleles (0.000062%); highest among the groups gnomAD compares: Non-Finnish European, 0.000085%; no homozygotes.

Submission:

Labcorp Genetics (formerly Invitae), Labcorp
Classification: Uncertain significance for Dilated cardiomyopathy 1G; Autosomal recessive limb-girdle muscular dystrophy type 2J. Last evaluated: 2023-09-05. Review status: criteria provided, single submitter. Criteria: Invitae Variant Classification Sherloc (09022015). Collection method: clinical testing. Allele origin: germline.
Comment: Experimental studies and prediction algorithms are not available or were not evaluated, and the functional significance of this variant is currently unknown. In summary, the available evidence is currently insufficient to determine the role of this variant in disease. Therefore, it has been classified as a Variant of Uncertain Significance. This variant is located in the I band of TTN (PMID: 25589632). Variants in this region may be clinically relevant, but have not been definitively shown to cause cardiomyopathy or neuromuscular disease (PMID: 27493940, 32778822). Variants that disrupt the consensus splice site are a relatively common cause of aberrant splicing (PMID: 17576681, 9536098). Algorithms developed to predict the effect of sequence changes on RNA splicing suggest that this variant may disrupt the consensus splice site. ClinVar contains an entry for this variant (Variation ID: 569119). This variant has not been reported in the literature in individuals affected with TTN-related conditions. This variant is not present in population databases (gnomAD no frequency). This sequence change replaces valine, which is neutral and non-polar, with methionine, which is neutral and non-polar, at codon 11619 of the TTN protein (p.Val11619Met). This variant also falls at the last nucleotide of exon 153, which is part of the consensus splice site for this exon.

Literature cited by the submitters: PubMed 25589632; PubMed 27493940; PubMed 32778822; PubMed 17576681; PubMed 9536098.